The following is an entry in ClinVar:

ClinVar aggregate classification (germline): Uncertain significance. Review status: criteria provided, multiple submitters, no conflicts (2 of 4 stars). 2 submissions from 2 submitters: Uncertain significance (2). Last evaluated 2024-03-24.

Conditions:
Hereditary cancer-predisposing syndrome. Also called: Tumor predisposition; Hereditary Cancer Syndrome; Hereditary neoplastic syndrome; Neoplastic Syndromes, Hereditary. Identifiers: Orphanet 140162, MedGen C0027672, MeSH D009386, MONDO:0015356.
Familial adenomatous polyposis 1 (FAP1). Also called: FAMILIAL ADENOMATOUS POLYPOSIS 1, ATTENUATED; POLYPOSIS, ADENOMATOUS INTESTINAL. Identifiers: MedGen C2713442, MONDO:0021056, OMIM 175100. Disease mechanism: loss of function.

Allele frequency attached by ClinVar (database versions not stated): gnomAD exomes below 0.00001.
gnomAD v4.1: 2 of 1,614,132 alleles (0.00012%); highest among the groups gnomAD compares: South Asian, 0.0022%; no homozygotes.

Submissions (2):

Labcorp Genetics (formerly Invitae), Labcorp
Classification: Uncertain significance for Familial adenomatous polyposis 1. Last evaluated: 2024-03-24. Review status: criteria provided, single submitter. Criteria: Invitae Variant Classification Sherloc (09022015). Collection method: clinical testing. Allele origin: germline.
Comment: This sequence change replaces glycine, which is neutral and non-polar, with valine, which is neutral and non-polar, at codon 1499 of the APC protein (p.Gly1499Val). The frequency data for this variant in the population databases is considered unreliable, as metrics indicate poor data quality at this position in the gnomAD database. This variant has not been reported in the literature in individuals affected with APC-related conditions. ClinVar contains an entry for this variant (Variation ID: 537542). Advanced modeling of protein sequence and biophysical properties (such as structural, functional, and spatial information, amino acid conservation, physicochemical variation, residue mobility, and thermodynamic stability) performed at Invitae indicates that this missense variant is not expected to disrupt APC protein function with a negative predictive value of 95%. In summary, the available evidence is currently insufficient to determine the role of this variant in disease. Therefore, it has been classified as a Variant of Uncertain Significance.

Ambry Genetics
Classification: Uncertain significance for Hereditary cancer-predisposing syndrome. Last evaluated: 2022-09-08. Review status: criteria provided, single submitter. Criteria: Ambry Variant Classification Scheme 2023. Collection method: clinical testing. Allele origin: germline.
Comment: The p.G1499V variant (also known as c.4496G>T), located in coding exon 15 of the APC gene, results from a G to T substitution at nucleotide position 4496. The glycine at codon 1499 is replaced by valine, an amino acid with dissimilar properties. This amino acid position is conserved. In addition, in silico predictors for this gene do not accurately predict pathogenicity. Since supporting evidence is limited at this time, the clinical significance of this alteration remains unclear.

NM_000038.6(APC):c.4496G>T (p.Gly1499Val)

Gene: APC (APC regulator of Wnt signaling pathway; plus strand). Cytogenetic location: 5q22.2.
Variant type: single nucleotide variant.
Coding change: c.4496G>T on transcript NM_000038.6 (MANE Select); coding-DNA position 4496, G replaced by T.
Protein change: p.Gly1499Val; replaces glycine 1499 with valine.
Molecular consequence: missense variant.
Genome position (GRCh38, 1-based): chr5:112,840,090, G>T. VCF-style: chr5-112840090-G-T. GRCh37 (hg19) VCF-style: chr5-112175787-G-T.
Other names: c.4496G>T, p.Gly1499Val (NM_001127510.3, NM_001354895.2); c.4442G>T, p.Gly1481Val (NM_001127511.3); c.4550G>T, p.Gly1517Val (NM_001354896.2); c.4526G>T, p.Gly1509Val (NM_001354897.2); c.4421G>T, p.Gly1474Val (NM_001354898.2); c.4412G>T, p.Gly1471Val (NM_001354899.2); c.4373G>T, p.Gly1458Val (NM_001354900.2); c.4319G>T, p.Gly1440Val (NM_001354901.2); and 5 more; short protein forms G1481V, G1499V, G1398V, G1216V, G1339V, G1373V, G1471V, G1408V.
Identifiers: ClinVar variation 537542 (VCV000537542.15), dbSNP rs1278829075, ClinGen allele CA16031171.